The following is an entry in ClinVar:

NM_001846.4(COL4A2):c.2908C>T (p.Arg970Ter)

Gene: COL4A2 (collagen type IV alpha 2 chain; plus strand). Cytogenetic location: 13q34.
Variant type: single nucleotide variant.
Coding change: c.2908C>T on transcript NM_001846.4 (MANE Select); coding-DNA position 2908, C replaced by T.
Protein change: p.Arg970Ter; replaces arginine 970 with a stop codon.
Molecular consequence: nonsense.
Genome position (GRCh38, 1-based): chr13:110,484,910, C>T. VCF-style: chr13-110484910-C-T. GRCh37 (hg19) VCF-style: chr13-111137257-C-T.
Other names: short protein forms R970*.
Identifiers: ClinVar variation 2404564 (VCV002404564.5), dbSNP rs758156725, ClinGen allele CA7050036.

ClinVar aggregate classification (germline): Uncertain significance. Review status: criteria provided, multiple submitters, no conflicts (2 of 4 stars). 2 submissions from 2 submitters: Uncertain significance (2). Last evaluated 2022-01-06.

Conditions:
Brain small vessel disease 2A, autosomal dominant. Also called: Porencephaly 2. Identifiers: Orphanet 2940, Orphanet 99810, MedGen C3280970, MONDO:0013773, OMIM 614483.
Inborn genetic diseases. Identifiers: MedGen C0950123, MeSH D030342.

Allele frequency attached by ClinVar (database versions not stated): gnomAD 0.00001; TOPMed 0.00001.
gnomAD v4.1: 4 of 1,610,016 alleles (0.00025%); highest among the groups gnomAD compares: African/African-American, 0.0013%; no homozygotes.

Submissions (2):

Ambry Genetics
Classification: Uncertain significance for Inborn genetic diseases. Last evaluated: 2022-01-06. Review status: criteria provided, single submitter. Criteria: Ambry Variant Classification Scheme 2023. Collection method: clinical testing. Allele origin: germline.
Comment: Loss of function has not been clearly established as a mechanism of disease Based on insufficient or conflicting evidence, the clinical significance of this alteration remains unclear.

Revvity Omics, Revvity
Classification: Uncertain significance for Brain small vessel disease 2A, autosomal dominant. Last evaluated: 2021-05-28. Review status: criteria provided, single submitter. Criteria: ACMG Guidelines, 2015. Collection method: clinical testing. Allele origin: germline.